The following is an entry in ClinVar:

ClinVar aggregate classification (germline): Uncertain significance (1 of 4 stars; one submission).

Conditions:
Nephrolithiasis/nephrocalcinosis. Identifiers: MedGen CN580796.

Submission:

Ambry Genetics
Classification: Uncertain significance for Nephrolithiasis/nephrocalcinosis. Last evaluated: 2023-03-22. Review status: criteria provided, single submitter. Criteria: Ambry Variant Classification Scheme 2023. Collection method: clinical testing. Allele origin: germline.
Comment: The p.N207K variant (also known as c.621C>A), located in coding exon 3 of the CASR gene, results from a C to A substitution at nucleotide position 621. The asparagine at codon 207 is replaced by lysine, an amino acid with similar properties. This amino acid position is conserved. In addition, the in silico prediction for this alteration is inconclusive. Since supporting evidence is limited at this time, the clinical significance of this alteration remains unclear.

NM_000388.4(CASR):c.621C>A (p.Asn207Lys)

Gene: CASR (calcium sensing receptor; plus strand). Cytogenetic location: 3q21.1.
Variant type: single nucleotide variant.
Coding change: c.621C>A on transcript NM_000388.4 (MANE Select); coding-DNA position 621, C replaced by A.
Protein change: p.Asn207Lys; replaces asparagine 207 with lysine.
Molecular consequence: missense variant.
Genome position (GRCh38, 1-based): chr3:122,261,656, C>A. VCF-style: chr3-122261656-C-A. GRCh37 (hg19) VCF-style: chr3-121980503-C-A.
Other names: c.621C>A, p.Asn207Lys (NM_001178065.2); short protein forms N207K.
Identifiers: ClinVar variation 3231582 (VCV003231582.1), dbSNP rs2107631955, ClinGen allele CA354150986.
Genomic context (GRCh38, chr3:122,261,656, plus strand): 5'-CCCCAATGATGAGCACCAGGCCACTGCCATGGCAGACATCATCGAGTATTTCCGCTGGAA[C>A]TGGGTGGGCACAATTGCAGCTGATGACGACTATGGGCGGCCGGGGATTGAGAAATTCCGA-3'
Protein context (NP_000379.3, residues 197-217): MADIIEYFRW[Asn207Lys]WVGTIAADDD